The following is an entry in ClinVar:

NM_133642.5(LARGE1):c.788-5_826del

Gene: LARGE1 (LARGE xylosyl- and glucuronyltransferase 1; minus strand). Cytogenetic location: 22q12.3.
Variant type: Deletion.
Coding change: c.788-5_826del on transcript NM_133642.5 (MANE Select); 5 bases into the intron before coding-DNA position 788 through coding-DNA position 826, 44 bases deleted.
Molecular consequence: splice acceptor variant.
Genome position (GRCh38, 1-based): chr22:33,432,227-33,432,270, 44 bases deleted; deleting any 44 consecutive bases within chr22:33,432,227-33,432,272 gives the same sequence; the c. name uses the placement nearest the transcript's 3' end. GRCh37 (hg19): chr22:33,828,215-33,828,258.
Other names: c.788-5_826del (NM_001362953.2, NM_001362949.2, NM_001378627.1 and 7 more transcripts); c.185-5_223del (NM_001378631.1, NM_001378630.1).
Identifiers: ClinVar variation 1066121 (VCV001066121.7), dbSNP rs2147722687, ClinGen allele CA2499226170.

ClinVar aggregate classification (germline): Likely pathogenic (1 of 4 stars; one submission).

Conditions:
Muscular dystrophy-dystroglycanopathy type B6 (MDDGB6). Also called: MUSCULAR DYSTROPHY-DYSTROGLYCANOPATHY (CONGENITAL WITH IMPAIRED INTELLECTUAL DEVELOPMENT), TYPE B, 6; MUSCULAR DYSTROPHY, CONGENITAL, LARGE-RELATED; MUSCULAR DYSTROPHY, CONGENITAL, TYPE 1D. Identifiers: MedGen C1837229, MONDO:0012138, OMIM 608840.

Submission:

Labcorp Genetics (formerly Invitae), Labcorp
Classification: Likely pathogenic for Muscular dystrophy-dystroglycanopathy type B6. Last evaluated: 2022-02-03. Review status: criteria provided, single submitter. Criteria: Invitae Variant Classification Sherloc (09022015). Collection method: clinical testing. Allele origin: germline.
Comment: In summary, the currently available evidence indicates that the variant is pathogenic, but additional data are needed to prove that conclusively. Therefore, this variant has been classified as Likely Pathogenic. Algorithms developed to predict the effect of sequence changes on RNA splicing suggest that this variant may disrupt the consensus splice site. ClinVar contains an entry for this variant (Variation ID: 1066121). This variant results in the deletion of part of exon 8 (c.788-5_826del) of the LARGE1 gene. It is expected to disrupt RNA splicing. Variants that disrupt the donor or acceptor splice site typically lead to a loss of protein function (PMID: 16199547), and loss-of-function variants in LARGE1 are known to be pathogenic (PMID: 12966029, 17878207). This variant has not been reported in the literature in individuals affected with LARGE1-related conditions. This variant is not present in population databases (gnomAD no frequency).

Literature cited by the submitters: PubMed 16199547; PubMed 12966029; PubMed 17878207.